The following is an entry in ClinVar:

ClinVar aggregate classification (germline): Uncertain significance (1 of 4 stars; one submission).

Submission:

Labcorp Genetics (formerly Invitae), Labcorp
Classification: Uncertain significance. Last evaluated: 2022-11-23. Review status: criteria provided, single submitter. Criteria: Invitae Variant Classification Sherloc (09022015). Collection method: clinical testing. Allele origin: germline.
Comment: In summary, the available evidence is currently insufficient to determine the role of this variant in disease. Therefore, it has been classified as a Variant of Uncertain Significance. This variant has not been reported in the literature in individuals affected with NLRP1-related conditions. This variant is not present in population databases (gnomAD no frequency). This sequence change creates a premature translational stop signal (p.Thr112Profs*6) in the NLRP1 gene. It is expected to result in an absent or disrupted protein product. However, the current clinical and genetic evidence is not sufficient to establish whether loss-of-function variants in NLRP1 cause disease.

NM_033004.4(NLRP1):c.334del (p.Thr112fs)

Gene: NLRP1 (NLR family pyrin domain containing 1; minus strand). Cytogenetic location: 17p13.2.
Variant type: Deletion.
Coding change: c.334del on transcript NM_033004.4 (MANE Select); coding-DNA position 334, one base deleted (A; older notation c.334delA).
Protein change: p.Thr112fs; shifts the reading frame from threonine 112.
Molecular consequence: frameshift variant.
Genome position (GRCh38, 1-based): chr17:5,582,784, T deleted on the plus strand (A on the coding strand, the reverse complement: NLRP1 is on the minus strand). VCF-style (leftmost placement, unchanged base first): chr17-5582783-GT-G. GRCh37 (hg19) VCF-style: chr17-5486103-GT-G.
Other names: c.334del, p.Thr112fs (NM_001033053.3, NM_014922.5, NM_033006.4 and 1 more transcripts); short protein forms T112fs.
Identifiers: ClinVar variation 2815939 (VCV002815939.3), dbSNP rs2508131840, ClinGen allele CA2739267079.
Genomic context (GRCh38, chr17:5,582,783, plus strand): 5'-GAGCCCTGGGTGCACCCCGCCGGCAATTCATGGATCCAGGGCATTAGCACTGCGGTGGAG[GT>G]GGGTTGGCTGGGAGACCCCAGGTGGGGTTCACTTGGGCTGTAGGGGAATGAGGGAGAGTG-3'